The following is an entry in ClinVar:

ClinVar aggregate classification (germline): Uncertain significance. Review status: criteria provided, multiple submitters, no conflicts (2 of 4 stars). 5 submissions from 5 submitters: Uncertain significance (5). Last evaluated 2025-05-29.

Conditions:
LYST-related disorder. Also called: LYST-related condition.
Inborn genetic diseases. Identifiers: MedGen C0950123, MeSH D030342.
Chédiak-Higashi syndrome (CHS). Also called: Chediak-Higashi Syndrome. Identifiers: Orphanet 167, MedGen C0007965, MONDO:0008963, OMIM 214500.

Allele frequency attached by ClinVar (database versions not stated): ExAC 0.00001; gnomAD exomes 0.00001; TOPMed 0.00001; gnomAD 0.00004; 1000 Genomes Project 30x 0.00016; 1000 Genomes Project 0.00020.
gnomAD v4.1: 59 of 1,614,192 alleles (0.0037%); highest among the groups gnomAD compares: Non-Finnish European, 0.0047%; no homozygotes.

Submissions (5):

PreventionGenetics, part of Exact Sciences
Classification: Uncertain significance for LYST-related condition. Last evaluated: 2025-05-29. Review status: criteria provided, single submitter. Criteria: ACMG Guidelines, 2015. Collection method: clinical testing. Allele origin: germline.
Comment: The LYST c.6737T>G variant is predicted to result in the amino acid substitution p.Leu2246Arg. To our knowledge, this variant has not been reported in the literature. This variant is reported in 0.0039% of alleles in individuals of European (Non-Finnish) descent in gnomAD. At this time, the clinical significance of this variant is uncertain due to the absence of conclusive functional and genetic evidence.

Blueprint Genetics
Classification: Uncertain significance. Last evaluated: 2024-09-03. Review status: criteria provided, single submitter. Criteria: ACMG Guidelines, 2015. Collection method: clinical testing. Allele origin: germline.

Labcorp Genetics (formerly Invitae), Labcorp
Classification: Uncertain significance for Chédiak-Higashi syndrome. Last evaluated: 2022-08-16. Review status: criteria provided, single submitter. Criteria: Invitae Variant Classification Sherloc (09022015). Collection method: clinical testing. Allele origin: germline.
Comment: This sequence change replaces leucine, which is neutral and non-polar, with arginine, which is basic and polar, at codon 2246 of the LYST protein (p.Leu2246Arg). This variant is present in population databases (rs200231136, gnomAD 0.004%). This variant has not been reported in the literature in individuals affected with LYST-related conditions. ClinVar contains an entry for this variant (Variation ID: 426698). Algorithms developed to predict the effect of missense changes on protein structure and function are either unavailable or do not agree on the potential impact of this missense change (SIFT: "Deleterious"; PolyPhen-2: "Probably Damaging"; Align-GVGD: "Class C0"). In summary, the available evidence is currently insufficient to determine the role of this variant in disease. Therefore, it has been classified as a Variant of Uncertain Significance.

Ambry Genetics
Classification: Uncertain significance for Inborn genetic diseases. Last evaluated: 2022-03-10. Review status: criteria provided, single submitter. Criteria: Ambry Variant Classification Scheme 2023. Collection method: clinical testing. Allele origin: germline.

GeneDx
Classification: Uncertain significance. Last evaluated: 2017-04-07. Review status: criteria provided, single submitter. Criteria: GeneDx Variant Classification (06012015). Collection method: clinical testing. Allele origin: germline. Affected: yes.
Comment: The L2246R variant in the LYST gene has not been reported previously as a pathogenic variant, nor as a benign variant, to our knowledge. The L2246R variant is observed in 1/66666 (0.0015%) alleles from individuals of European background, in the ExAC dataset (Lek et al., 2016). The L2246R variant is a non-conservative amino acid substitution, which is likely to impact secondary protein structure as these residues differ in polarity, charge, size and/or other properties. This substitution occurs at a position that is conserved across species. In silico analysis is inconsistent in its predictions as to whether or not the variant is damaging to the protein structure/function. We interpret L2246R as a variant of uncertain significance.

NM_000081.4(LYST):c.6737T>G (p.Leu2246Arg)

Gene: LYST (lysosomal trafficking regulator; minus strand). Cytogenetic location: 1q42.3.
Variant type: single nucleotide variant.
Coding change: c.6737T>G on transcript NM_000081.4 (MANE Select); coding-DNA position 6737, T replaced by G.
Protein change: p.Leu2246Arg; replaces leucine 2246 with arginine.
Molecular consequence: missense variant.
Genome position (GRCh38, 1-based): chr1:235,759,116, A>C on the plus strand (T>G on the coding strand, the complement: LYST is on the minus strand). VCF-style: chr1-235759116-A-C. GRCh37 (hg19) VCF-style: chr1-235922416-A-C.
Other names: c.6737T>G, p.Leu2246Arg (NM_001301365.1); short protein forms L2246R.
Identifiers: ClinVar variation 426698 (VCV000426698.9), dbSNP rs200231136, ClinGen allele CA1466324.